The following is an entry in ClinVar:

NM_004946.3(DOCK2):c.2242G>A (p.Val748Ile)

Gene: DOCK2 (dedicator of cytokinesis 2; plus strand). Cytogenetic location: 5q35.1.
Variant type: single nucleotide variant.
Coding change: c.2242G>A on transcript NM_004946.3 (MANE Select); coding-DNA position 2242, G replaced by A.
Protein change: p.Val748Ile; replaces valine 748 with isoleucine.
Molecular consequence: missense variant. On other transcripts: non-coding transcript variant (1).
Genome position (GRCh38, 1-based): chr5:169,718,766, G>A. VCF-style: chr5-169718766-G-A. GRCh37 (hg19) VCF-style: chr5-169145770-G-A.
Other names: short protein forms V748I.
Identifiers: ClinVar variation 2598642 (VCV002598642.4), dbSNP rs199603412, ClinGen allele CA3553698.

ClinVar aggregate classification (germline): Uncertain significance. Review status: criteria provided, multiple submitters, no conflicts (2 of 4 stars). 3 submissions from 3 submitters: Uncertain significance (3). Last evaluated 2023-07-12.

Conditions:
Inborn genetic diseases. Identifiers: MedGen C0950123, MeSH D030342.
DOCK2 deficiency. Also called: Immunodeficiency 40. Identifiers: Orphanet 447737, MedGen C4225328, MONDO:0014637, OMIM 616433.

Allele frequency attached by ClinVar (database versions not stated): ExAC 0.00001; gnomAD exomes 0.00002; gnomAD 0.00003; TOPMed 0.00003.
gnomAD v4.1: 34 of 1,613,598 alleles (0.0021%); highest among the groups gnomAD compares: Non-Finnish European, 0.0028%; no homozygotes.

Submissions (3):

Ambry Genetics
Classification: Uncertain significance for Inborn genetic diseases. Last evaluated: 2023-07-12. Review status: criteria provided, single submitter. Criteria: Ambry Variant Classification Scheme 2023. Collection method: clinical testing. Allele origin: germline.

Labcorp Genetics (formerly Invitae), Labcorp
Classification: Uncertain significance for DOCK2 deficiency. Last evaluated: 2023-02-16. Review status: criteria provided, single submitter. Criteria: Invitae Variant Classification Sherloc (09022015). Collection method: clinical testing. Allele origin: germline.
Comment: This sequence change replaces valine, which is neutral and non-polar, with isoleucine, which is neutral and non-polar, at codon 748 of the DOCK2 protein (p.Val748Ile). This variant is present in population databases (rs199603412, gnomAD 0.002%). This variant has not been reported in the literature in individuals affected with DOCK2-related conditions. An algorithm developed to predict the effect of missense changes on protein structure and function (PolyPhen-2) suggests that this variant is likely to be disruptive. In summary, the available evidence is currently insufficient to determine the role of this variant in disease. Therefore, it has been classified as a Variant of Uncertain Significance.

Blueprint Genetics
Classification: Uncertain significance. Last evaluated: 2020-01-07. Review status: criteria provided, single submitter. Criteria: ACMG Guidelines, 2015. Collection method: clinical testing. Allele origin: germline.